The following is an entry in ClinVar:

NM_000094.4(COL7A1):c.2728C>T (p.Arg910Trp)

Gene: COL7A1 (collagen type VII alpha 1 chain; minus strand). Cytogenetic location: 3p21.31.
Variant type: single nucleotide variant.
Coding change: c.2728C>T on transcript NM_000094.4 (MANE Select); coding-DNA position 2728, C replaced by T.
Protein change: p.Arg910Trp; replaces arginine 910 with tryptophan.
Molecular consequence: missense variant.
Genome position (GRCh38, 1-based): chr3:48,587,922, G>A on the plus strand (C>T on the coding strand, the complement: COL7A1 is on the minus strand). VCF-style: chr3-48587922-G-A. GRCh37 (hg19) VCF-style: chr3-48625355-G-A.
Other names: short protein forms R910W.
Identifiers: ClinVar variation 2419451 (VCV002419451.8), dbSNP rs751815309, ClinGen allele CA2380772.
Genomic context (GRCh38, chr3:48,587,922, plus strand): 5'-ACTGTGTCGCTGGCTCCAGCCCGTCCAGGTGATAGCTGCTGAGCTCGGGCCCCAGGACCC[G>A]GGACTGTTCCTGGCCACCTGGGGCAGGCGTGAGGGTGGGGGCCAAGAGCATGTGGGATAG-3'
Protein context (NP_000085.1, residues 900-920): WQPEGGQEQS[Arg910Trp]VLGPELSSYH

ClinVar aggregate classification (germline): Conflicting classifications of pathogenicity. Review status: criteria provided, conflicting classifications (1 of 4 stars). 3 submissions from 3 submitters: Uncertain significance (2); Likely benign (1). Last evaluated 2024-09-04.

Conditions:
Inborn genetic diseases. Identifiers: MedGen C0950123, MeSH D030342.

Allele frequency attached by ClinVar (database versions not stated): gnomAD exomes 0.00001; gnomAD 0.00003; TOPMed 0.00003; ExAC 0.00004.
gnomAD v4.1: 17 of 1,598,258 alleles (0.0011%); highest among the groups gnomAD compares: African/African-American, 0.0094%; no homozygotes.

Submissions (3):

GeneDx
Classification: Uncertain significance. Last evaluated: 2024-09-04. Review status: criteria provided, single submitter. Criteria: GeneDx Variant Classification Process June 2021. Collection method: clinical testing. Allele origin: germline. Affected: yes.
Comment: In silico analysis indicates that this missense variant does not alter protein structure/function; Has not been previously published as pathogenic or benign to our knowledge

Labcorp Genetics (formerly Invitae), Labcorp
Classification: Likely benign. Last evaluated: 2024-05-19. Review status: criteria provided, single submitter. Criteria: Invitae Variant Classification Sherloc (09022015). Collection method: clinical testing. Allele origin: germline.

Ambry Genetics
Classification: Uncertain significance for Inborn genetic diseases. Last evaluated: 2021-10-26. Review status: criteria provided, single submitter. Criteria: Ambry Variant Classification Scheme 2023. Collection method: clinical testing. Allele origin: germline.